The following is an entry in ClinVar:

ClinVar aggregate classification (germline): Uncertain significance. Review status: criteria provided, single submitter (1 of 4 stars). 2 submissions from 2 submitters: Uncertain significance (1). 1 of the submissions does not count toward it. Last evaluated 2017-07-28.

Conditions:
MESP2-related disorder. Also called: MESP2-related condition.

Allele frequency attached by ClinVar (database versions not stated): ExAC 0.00015; gnomAD exomes 0.00017; 1000 Genomes Project 30x 0.00047; ESP Exome Variant Server 0.00051; 1000 Genomes Project 0.00060; gnomAD 0.00064 and 0.00067; TOPMed 0.00076.

Submissions (2):

Eurofins Ntd Llc (ga)
Classification: Uncertain significance. Last evaluated: 2017-07-28. Review status: criteria provided, single submitter. Criteria: EGL Classification Definitions 2015. Collection method: clinical testing. Allele origin: germline. Observed: 1 variant allele, 1 heterozygote.

PreventionGenetics, part of Exact Sciences
Classification: Likely benign for MESP2-related condition. Last evaluated: 2024-01-29. Review status: no assertion criteria provided. Collection method: clinical testing. Allele origin: germline. Not counted in ClinVar's aggregate classification.
Comment: This variant is classified as likely benign based on ACMG/AMP sequence variant interpretation guidelines (Richards et al. 2015 PMID: 25741868, with internal and published modifications).

NM_001039958.2(MESP2):c.*9G>A

Gene: MESP2 (mesoderm posterior bHLH transcription factor 2; plus strand). Cytogenetic location: 15q26.1.
Variant type: single nucleotide variant.
Coding change: c.*9G>A on transcript NM_001039958.2 (MANE Select); 9 bases downstream of the stop codon, G replaced by A.
Molecular consequence: 3 prime UTR variant.
Genome position (GRCh38, 1-based): chr15:89,778,343, G>A. VCF-style: chr15-89778343-G-A. GRCh37 (hg19) VCF-style: chr15-90321574-G-A.
Other names: c.*9G>A (NM_001039958.1).
Identifiers: ClinVar variation 593379 (VCV000593379.7), dbSNP rs187680280, ClinGen allele CA7730620.